The following is an entry in ClinVar:

ClinVar aggregate classification (germline): Pathogenic (1 of 4 stars; one submission).

Conditions:
Baller-Gerold syndrome (BGS). Also called: CRANIOSYNOSTOSIS WITH RADIAL DEFECTS. Identifiers: Orphanet 1225, MedGen C0265308, MONDO:0009039, OMIM 218600.

Submission:

Labcorp Genetics (formerly Invitae), Labcorp
Classification: Pathogenic for Baller-Gerold syndrome. Last evaluated: 2022-04-02. Review status: criteria provided, single submitter. Criteria: Invitae Variant Classification Sherloc (09022015). Collection method: clinical testing. Allele origin: germline.
Comment: For these reasons, this variant has been classified as Pathogenic. This variant has not been reported in the literature in individuals affected with RECQL4-related conditions. This sequence change creates a premature translational stop signal (p.Arg46Serfs*89) in the RECQL4 gene. It is expected to result in an absent or disrupted protein product. Loss-of-function variants in RECQL4 are known to be pathogenic (PMID: 12734318, 12952869). This variant is not present in population databases (gnomAD no frequency).

Literature cited by the submitters: PubMed 12734318; PubMed 12952869.

NM_004260.4(RECQL4):c.136_140del (p.Arg46fs)

Genes: RECQL4 (RecQ like helicase 4; minus strand), LOC130001411 (ATAC-STARR-seq lymphoblastoid silent region 19699; plus strand). Cytogenetic location: 8q24.3.
Variant type: Deletion.
Coding change: c.136_140del on transcript NM_004260.4 (MANE Select); coding-DNA positions 136 to 140, 5 bases deleted (CGCAC; older notation c.136_140delCGCAC).
Protein change: p.Arg46fs; shifts the reading frame from arginine 46.
Molecular consequence: frameshift variant.
Genome position (GRCh38, 1-based): chr8:144,517,487-144,517,491, GTGCG deleted on the plus strand (CGCAC on the coding strand, the reverse complement: RECQL4 is on the minus strand); deleting any 5 consecutive bases within chr8:144,517,487-144,517,493 gives the same sequence; the c. name uses the placement nearest the transcript's 3' end. VCF-style (leftmost placement, unchanged base first): chr8-144517486-AGTGCG-A. GRCh37 (hg19) VCF-style: chr8-145742870-AGTGCG-A.
Other names: short protein forms R46fs.
Identifiers: ClinVar variation 1453779 (VCV001453779.6), dbSNP rs2130741439, ClinGen allele CA2568202709.